The following is an entry in ClinVar:

ClinVar aggregate classification (germline): Uncertain significance (1 of 4 stars; one submission).

Conditions:
Charcot-Marie-Tooth disease axonal type 2S. Also called: CHARCOT-MARIE-TOOTH DISEASE, AXONAL, AUTOSOMAL RECESSIVE, TYPE 2S; CHARCOT-MARIE-TOOTH NEUROPATHY, TYPE 2S. Identifiers: Orphanet 443073, MedGen C4015349, MONDO:0014511, OMIM 616155.
Autosomal recessive distal spinal muscular atrophy 1. Also called: Spinal muscular atrophy with respiratory distress 1; NEURONOPATHY, DISTAL HEREDITARY MOTOR, HARDING TYPE VI; NEUROPATHY, DISTAL HEREDITARY MOTOR, AUTOSOMAL RECESSIVE 1; NEURONOPATHY, SEVERE INFANTILE AXONAL, WITH RESPIRATORY FAILURE; SEVERE INFANTILE AXONAL NEUROPATHY WITH RESPIRATORY FAILURE; SPINAL MUSCULAR ATROPHY, DIAPHRAGMATIC. Identifiers: Orphanet 98920, MedGen C1858517, MONDO:0011436, OMIM 604320.

Allele frequency attached by ClinVar (database versions not stated): gnomAD exomes below 0.00001; TOPMed below 0.00001.
gnomAD v4.1: 1 of 1,614,142 alleles (0.000062%); highest among the groups gnomAD compares: Non-Finnish European, 0.000085%; no homozygotes.

Submission:

Labcorp Genetics (formerly Invitae), Labcorp
Classification: Uncertain significance for Autosomal recessive distal spinal muscular atrophy 1; Charcot-Marie-Tooth disease axonal type 2S. Last evaluated: 2022-05-07. Review status: criteria provided, single submitter. Criteria: Invitae Variant Classification Sherloc (09022015). Collection method: clinical testing. Allele origin: germline.
Comment: In summary, the available evidence is currently insufficient to determine the role of this variant in disease. Therefore, it has been classified as a Variant of Uncertain Significance. Advanced modeling of protein sequence and biophysical properties (such as structural, functional, and spatial information, amino acid conservation, physicochemical variation, residue mobility, and thermodynamic stability) performed at Invitae indicates that this missense variant is not expected to disrupt IGHMBP2 protein function. This variant has not been reported in the literature in individuals affected with IGHMBP2-related conditions. This variant is not present in population databases (gnomAD no frequency). This sequence change replaces glutamine, which is neutral and polar, with arginine, which is basic and polar, at codon 206 of the IGHMBP2 protein (p.Gln206Arg).

NM_002180.3(IGHMBP2):c.617A>G (p.Gln206Arg)

Gene: IGHMBP2 (immunoglobulin mu DNA binding protein 2; plus strand). Cytogenetic location: 11q13.3.
Variant type: single nucleotide variant.
Coding change: c.617A>G on transcript NM_002180.3 (MANE Select); coding-DNA position 617, A replaced by G.
Protein change: p.Gln206Arg; replaces glutamine 206 with arginine.
Molecular consequence: missense variant.
Genome position (GRCh38, 1-based): chr11:68,911,509, A>G. VCF-style: chr11-68911509-A-G. GRCh37 (hg19) VCF-style: chr11-68678977-A-G.
Other names: short protein forms Q206R.
Identifiers: ClinVar variation 2135268 (VCV002135268.4), dbSNP rs1858435457, ClinGen allele CA381643817.